The following is an entry in ClinVar:

NM_001352754.2(ARMC9):c.2160G>A (p.Trp720Ter)

Genes: ARMC9 (armadillo repeat containing 9; plus strand), LOC122861306 (Sharpr-MPRA regulatory region 9410; plus strand). Cytogenetic location: 2q37.1.
Variant type: single nucleotide variant.
Coding change: c.2160G>A on transcript NM_001352754.2 (MANE Select); coding-DNA position 2160, G replaced by A.
Protein change: p.Trp720Ter; replaces tryptophan 720 with a stop codon.
Molecular consequence: nonsense.
Genome position (GRCh38, 1-based): chr2:231,360,782, G>A. VCF-style: chr2-231360782-G-A. GRCh37 (hg19) VCF-style: chr2-232225494-G-A.
Other names: c.2160G>A (NM_001271466.3); c.2160G>A, p.Trp720Ter (NM_001271466.4); short protein forms W720*.
Identifiers: ClinVar variation 1497937 (VCV001497937.7), dbSNP rs2045539003, ClinGen allele CA350958075.
Genomic context (GRCh38, chr2:231,360,782, plus strand): 5'-ATGTGGACTGAACTTTCTCTCCTCCTCCCCAGCAGCCATCATCGCCAAGCCAGGAGAGTG[G>A]CTCCCAAGAGGACGCCAGGAAGAGCCTCGCCCAGCCCCCACGGGGACCCCCCGCCAGCCA-3'

ClinVar aggregate classification (germline): Conflicting classifications of pathogenicity. Review status: criteria provided, conflicting classifications (1 of 4 stars). 3 submissions from 3 submitters: Likely pathogenic (1); Uncertain significance (2). Last evaluated 2025-08-06.

Conditions:
Joubert syndrome 30. Identifiers: MedGen C4539937, MONDO:0033308, OMIM 617622.
ARMC9-related disorder. Also called: ARMC9-related condition.

Allele frequency attached by ClinVar (database versions not stated): gnomAD exomes below 0.00001.
gnomAD v4.1: 2 of 1,536,132 alleles (0.00013%); highest among the groups gnomAD compares: African/African-American, 0.0014%; no homozygotes.

Submissions (3):

PreventionGenetics, part of Exact Sciences
Classification: Uncertain significance for ARMC9-related condition. Last evaluated: 2025-08-06. Review status: criteria provided, single submitter. Criteria: ACMG Guidelines, 2015. Collection method: clinical testing. Allele origin: germline.
Comment: The ARMC9 c.2160G>A variant is predicted to result in premature protein termination (p.Trp720*). To our knowledge, this variant has not been reported in the literature or in a large population database (gnomAD), indicating this variant is rare. This variant corresponds to a post-coding position in an alternate transcript for this gene (NM_025139:c.*15688G>A), and it is unclear if variants in this region cause disease. At this time, the clinical significance of this variant is uncertain due to the absence of conclusive functional and genetic evidence.

Labcorp Genetics (formerly Invitae), Labcorp
Classification: Uncertain significance. Last evaluated: 2025-04-16. Review status: criteria provided, single submitter. Criteria: Invitae Variant Classification Sherloc (09022015). Collection method: clinical testing. Allele origin: germline.
Comment: This sequence change creates a premature translational stop signal (p.Trp720*) in the ARMC9 gene. However, it is currently unclear if variants that occur in this region of the gene cause disease. This variant is not present in population databases (gnomAD no frequency). This variant has not been reported in the literature in individuals affected with ARMC9-related conditions. ClinVar contains an entry for this variant (Variation ID: 1497937). Experimental studies and prediction algorithms are not available or were not evaluated, and the functional significance of this variant is currently unknown. In summary, the available evidence is currently insufficient to determine the role of this variant in disease. Therefore, it has been classified as a Variant of Uncertain Significance.

Department of Pathology and Laboratory Medicine, Sinai Health System
Classification: Likely pathogenic for Joubert syndrome 30. Last evaluated: 2022-10-31. Review status: criteria provided, single submitter. Criteria: ACMG Guidelines, 2015. Collection method: research. Allele origin: germline.